The following is an entry in ClinVar:

ClinVar aggregate classification (germline): Likely pathogenic (1 of 4 stars; one submission).

Conditions:
Ichthyosis prematurity syndrome (IPS). Also called: ICHTHYOSIS CONGENITA IV. Identifiers: Orphanet 88621, MedGen C1837610, MONDO:0012089, OMIM 608649.

Submission:

3billion
Classification: Likely pathogenic for Ichthyosis prematurity syndrome. Last evaluated: 2025-10-29. Review status: criteria provided, single submitter. Criteria: ACMG Guidelines, 2015. Collection method: clinical testing. Allele origin: germline. Affected: yes.
Comment: The variant is observed at an extremely low frequency in the gnomAD v4.1.0 dataset (total allele frequency: <0.001%). Predicted Consequence/Location: Canonical splice site: predicted to alter splicing and result in a loss or disruption of normal protein function. Multiple pathogenic loss-of-function variants are reported downstream of the variant. In silico tools predict the variant to alter splicing and produce an abnormal transcript [SpliceAI: 0.99 (spliceogenicity >=0.2, non-spliceogenicity <0.1)]. Therefore, this variant is classified as Likely pathogenic according to the recommendation of ACMG/AMP guideline.

NM_005094.4(SLC27A4):c.162-2A>G

Gene: SLC27A4 (solute carrier family 27 member 4; plus strand). Cytogenetic location: 9q34.11.
Variant type: single nucleotide variant.
Coding change: c.162-2A>G on transcript NM_005094.4 (MANE Select); the canonical splice acceptor site of the intron before coding-DNA position 162, A replaced by G.
Molecular consequence: splice acceptor variant.
Genome position (GRCh38, 1-based): chr9:128,345,153, A>G. VCF-style: chr9-128345153-A-G. GRCh37 (hg19) VCF-style: chr9-131107432-A-G.
Identifiers: ClinVar variation 4855421 (VCV004855421.1).